The following is an entry in ClinVar:

NM_170784.3(MKKS):c.889A>G (p.Ile297Val)

Gene: MKKS (MKKS centrosomal shuttling protein; minus strand). Cytogenetic location: 20p12.2.
Variant type: single nucleotide variant.
Coding change: c.889A>G on transcript NM_170784.3 (MANE Select); coding-DNA position 889, A replaced by G.
Protein change: p.Ile297Val; replaces isoleucine 297 with valine.
Molecular consequence: missense variant.
Genome position (GRCh38, 1-based): chr20:10,412,626, T>C on the plus strand (A>G on the coding strand, the complement: MKKS is on the minus strand). VCF-style: chr20-10412626-T-C. GRCh37 (hg19) VCF-style: chr20-10393274-T-C.
Other names: c.889A>G, p.Ile297Val (NM_018848.3); short protein forms I297V.
Identifiers: ClinVar variation 2071584 (VCV002071584.2), dbSNP rs1470886445, ClinGen allele CA408232136.
Genomic context (GRCh38, chr20:10,412,626, plus strand): 5'-CAATTCTGTCTATGGCAATAATACGATGCATATTGAGAAACTGCTTCAAAGATGGATGTA[T>C]AACTTTTTGGCACAGGACAAGATCTACGTGGTCACTGATTAGCTGCCTTCCTAGGTTAAG-3'
Protein context (NP_740754.1, residues 287-307): HVDLVLCQKV[Ile297Val]HPSLKQFLNM

ClinVar aggregate classification (germline): Uncertain significance. Review status: criteria provided, single submitter (1 of 4 stars). 2 submissions from 2 submitters: Uncertain significance (1). 1 of the submissions does not count toward it. Last evaluated 2022-05-31.

Conditions:
MKKS-related disorder. Also called: MKKS-related condition; MKKS-related disorders.
Bardet-Biedl syndrome (BBS). Identifiers: Orphanet 110, MedGen C0752166, MONDO:0015229.
McKusick-Kaufman syndrome (MKKS). Also called: HYDROMETROCOLPOS SYNDROME; HYDROMETROCOLPOS, POSTAXIAL POLYDACTYLY, AND CONGENITAL HEART MALFORMATION. Identifiers: Orphanet 2473, MedGen C0948368, MONDO:0009367, OMIM 236700.

Allele frequency attached by ClinVar (database versions not stated): gnomAD 0.00001; gnomAD exomes 0.00001; TOPMed 0.00001.

Submissions (2):

Labcorp Genetics (formerly Invitae), Labcorp
Classification: Uncertain significance for McKusick-Kaufman syndrome; Bardet-Biedl syndrome. Last evaluated: 2022-05-31. Review status: criteria provided, single submitter. Criteria: Invitae Variant Classification Sherloc (09022015). Collection method: clinical testing. Allele origin: germline.
Comment: This sequence change replaces isoleucine, which is neutral and non-polar, with valine, which is neutral and non-polar, at codon 297 of the MKKS protein (p.Ile297Val). This variant is not present in population databases (gnomAD no frequency). This variant has not been reported in the literature in individuals affected with MKKS-related conditions. Algorithms developed to predict the effect of missense changes on protein structure and function output the following: SIFT: "Tolerated"; PolyPhen-2: "Benign"; Align-GVGD: "Class C0". The valine amino acid residue is found in multiple mammalian species, which suggests that this missense change does not adversely affect protein function. In summary, the available evidence is currently insufficient to determine the role of this variant in disease. Therefore, it has been classified as a Variant of Uncertain Significance.

PreventionGenetics, part of Exact Sciences
Classification: Uncertain significance for MKKS-related condition. Last evaluated: 2024-01-03. Review status: no assertion criteria provided. Collection method: clinical testing. Allele origin: germline. Not counted in ClinVar's aggregate classification.
Comment: The MKKS c.889A>G variant is predicted to result in the amino acid substitution p.Ile297Val. To our knowledge, this variant has not been reported in the literature or in a large population database, indicating this variant is rare. At this time, the clinical significance of this variant is uncertain due to the absence of conclusive functional and genetic evidence.